The following is an entry in ClinVar:

NM_173354.5(SIK1):c.572C>T (p.Ala191Val)

Gene: SIK1 (salt inducible kinase 1; minus strand). Cytogenetic location: 21q22.3.
Variant type: single nucleotide variant.
Coding change: c.572C>T on transcript NM_173354.5 (MANE Select); coding-DNA position 572, C replaced by T.
Protein change: p.Ala191Val; replaces alanine 191 with valine.
Molecular consequence: missense variant.
Genome position (GRCh38, 1-based): chr21:43,421,295, G>A on the plus strand (C>T on the coding strand, the complement: SIK1 is on the minus strand). VCF-style: chr21-43421295-G-A. GRCh37 (hg19) VCF-style: chr21-44841175-G-A.
Other names: short protein forms A191V.
Identifiers: ClinVar variation 3027180 (VCV003027180.22), dbSNP rs2516967511, ClinGen allele CA410609888.
Genomic context (GRCh38, chr21:43,421,295, plus strand): 5'-GCTCCTACCCAGATGTCCAGCTGGGGGCCTTCATACTCCTTCCCCTCAAAGACTTCCGGG[G>A]CGGCATACGGGGGGCTCCCACACCACGTGGACAGAGGCTCTCCTGACTTGTAGAAATTCC-3'
Protein context (NP_775490.2, residues 181-201): STWCGSPPYA[Ala191Val]PEVFEGKEYE

ClinVar aggregate classification (germline): Uncertain significance (1 of 4 stars; one submission).

Submission:

CeGaT Center for Human Genetics Tuebingen
Classification: Uncertain significance. Last evaluated: 2024-02-01. Review status: criteria provided, single submitter. Criteria: CeGaT Center For Human Genetics Tuebingen Variant Classification Criteria Version 2. Collection method: clinical testing. Allele origin: germline. Affected: yes. Observed: 1 variant allele.
Comment: SIK1: PM2